The following is an entry in ClinVar:

NM_003072.5(SMARCA4):c.3303G>C (p.Leu1101=)

Gene: SMARCA4 (SWI/SNF related BAF chromatin remodeling complex subunit ATPase 4; plus strand). Cytogenetic location: 19p13.2.
Variant type: single nucleotide variant.
Coding change: c.3303G>C on transcript NM_003072.5 (MANE Select); coding-DNA position 3303, G replaced by C.
Protein change: p.Leu1101=; no amino-acid change (leucine 1101 retained).
Molecular consequence: synonymous variant. On other transcripts: non-coding transcript variant (1).
Genome position (GRCh38, 1-based): chr19:11,027,871, G>C. VCF-style: chr19-11027871-G-C. GRCh37 (hg19) VCF-style: chr19-11138547-G-C.
Other names: c.3303G>C, p.Leu1101= (NM_001128844.3, NM_001128845.2, NM_001128846.2 and 5 more transcripts).
Identifiers: ClinVar variation 238426 (VCV000238426.17), dbSNP rs878854213, ClinGen allele CA10583743.

ClinVar aggregate classification (germline): Benign/Likely benign. Review status: criteria provided, multiple submitters, no conflicts (2 of 4 stars). 3 submissions from 3 submitters: Benign (1); Likely benign (2). Last evaluated 2026-07-14.

Conditions:
Hereditary cancer-predisposing syndrome. Also called: Hereditary Cancer Syndrome; Tumor predisposition; Hereditary neoplastic syndrome; Neoplastic Syndromes, Hereditary. Identifiers: Orphanet 140162, MedGen C0027672, MeSH D009386, MONDO:0015356.
Rhabdoid tumor predisposition syndrome 2 (RTPS2). Identifiers: Orphanet 231108, Orphanet 69077, MedGen C2750074, MONDO:0013224, OMIM 613325.

Allele frequency attached by ClinVar (database versions not stated): gnomAD exomes below 0.00001.
gnomAD v4.1: 4 of 1,614,164 alleles (0.00025%); highest among the groups gnomAD compares: African/African-American, 0.0013%; no homozygotes.

Submissions (3):

Myriad Genetics, Inc.
Classification: Benign for Rhabdoid tumor predisposition syndrome 2. Last evaluated: 2026-07-14. Review status: criteria provided, single submitter. Criteria: Myriad Autosomal Dominant, Autosomal Recessive and X-Linked Classification Criteria (2023). Collection method: clinical testing. Allele origin: unknown.
Comment: This variant is considered benign. This variant is a silent/synonymous amino acid change and it is not expected to impact splicing.

Labcorp Genetics (formerly Invitae), Labcorp
Classification: Likely benign for Rhabdoid tumor predisposition syndrome 2. Last evaluated: 2025-12-24. Review status: criteria provided, single submitter. Criteria: Invitae Variant Classification Sherloc (09022015). Collection method: clinical testing. Allele origin: germline.

Ambry Genetics
Classification: Likely benign for Hereditary cancer-predisposing syndrome. Last evaluated: 2016-08-16. Review status: criteria provided, single submitter. Criteria: Ambry Variant Classification Scheme 2023. Collection method: clinical testing. Allele origin: germline.